The following is an entry in ClinVar:

ClinVar aggregate classification (germline): Uncertain significance (1 of 4 stars; one submission).

Conditions:
Trichorhinophalangeal syndrome, type III (TRPS3). Also called: SUGIO-KAJII SYNDROME. Identifiers: Orphanet 77258, MedGen C1860823, OMIM 190351, MONDO:0008597.
Trichorhinophalangeal dysplasia type I (TRPS1). Also called: TRICHORHINOPHALANGEAL SYNDROME, TYPE I; TRPS I. Identifiers: Orphanet 77258, MedGen C0432233, MONDO:0008596, OMIM 190350.

Allele frequency attached by ClinVar (database versions not stated): ExAC 0.00001; gnomAD exomes 0.00002.
gnomAD v4.1: 26 of 1,614,158 alleles (0.0016%); highest among the groups gnomAD compares: Non-Finnish European, 0.0019%; no homozygotes.

Submission:

Labcorp Genetics (formerly Invitae), Labcorp
Classification: Uncertain significance for Trichorhinophalangeal syndrome, type III; Trichorhinophalangeal dysplasia type I. Last evaluated: 2022-02-27. Review status: criteria provided, single submitter. Criteria: Invitae Variant Classification Sherloc (09022015). Collection method: clinical testing. Allele origin: germline.
Comment: Algorithms developed to predict the effect of missense changes on protein structure and function output the following: SIFT: "Tolerated"; PolyPhen-2: "Benign"; Align-GVGD: "Class C15". The serine amino acid residue is found in multiple mammalian species, which suggests that this missense change does not adversely affect protein function. This variant has not been reported in the literature in individuals affected with TRPS1-related conditions. This variant is present in population databases (rs748988134, gnomAD 0.0009%). This sequence change replaces proline, which is neutral and non-polar, with serine, which is neutral and polar, at codon 880 of the TRPS1 protein (p.Pro880Ser). In summary, the available evidence is currently insufficient to determine the role of this variant in disease. Therefore, it has been classified as a Variant of Uncertain Significance.

NM_014112.5(TRPS1):c.2638C>T (p.Pro880Ser)

Gene: TRPS1 (transcriptional repressor GATA binding 1; minus strand). Cytogenetic location: 8q23.3.
Variant type: single nucleotide variant.
Coding change: c.2638C>T on transcript NM_014112.5 (MANE Select); coding-DNA position 2638, C replaced by T.
Protein change: p.Pro880Ser; replaces proline 880 with serine.
Molecular consequence: missense variant.
Genome position (GRCh38, 1-based): chr8:115,587,063, G>A on the plus strand (C>T on the coding strand, the complement: TRPS1 is on the minus strand). VCF-style: chr8-115587063-G-A. GRCh37 (hg19) VCF-style: chr8-116599290-G-A.
Other names: c.2611C>T, p.Pro871Ser (NM_001282902.3); c.2617C>T, p.Pro873Ser (NM_001282903.3); c.2599C>T, p.Pro867Ser (NM_001330599.2); short protein forms P871S, P867S, P873S, P880S.
Identifiers: ClinVar variation 1914529 (VCV001914529.5), dbSNP rs748988134, ClinGen allele CA4851618.